The following is an entry in ClinVar:

NM_000038.6(APC):c.6759T>A (p.Leu2253=)

Gene: APC (APC regulator of Wnt signaling pathway; plus strand). Cytogenetic location: 5q22.2.
Variant type: single nucleotide variant.
Coding change: c.6759T>A on transcript NM_000038.6 (MANE Select); coding-DNA position 6759, T replaced by A.
Protein change: p.Leu2253=; no amino-acid change (leucine 2253 retained).
Molecular consequence: synonymous variant.
Genome position (GRCh38, 1-based): chr5:112,842,353, T>A. VCF-style: chr5-112842353-T-A. GRCh37 (hg19) VCF-style: chr5-112178050-T-A.
Other names: c.6759T>A, p.Leu2253= (NM_001127510.3, NM_001354895.2); c.6705T>A, p.Leu2235= (NM_001127511.3); c.6813T>A, p.Leu2271= (NM_001354896.2); c.6789T>A, p.Leu2263= (NM_001354897.2); c.6684T>A, p.Leu2228= (NM_001354898.2); c.6675T>A, p.Leu2225= (NM_001354899.2); c.6636T>A, p.Leu2212= (NM_001354900.2); c.6582T>A, p.Leu2194= (NM_001354901.2); and 5 more.
Identifiers: ClinVar variation 1138209 (VCV001138209.11), dbSNP rs1554087705, ClinGen allele CA446209990.
Genomic context (GRCh38, chr5:112,842,353, plus strand): 5'-TCCAGGAGTTCGAAATAGCTCCTCAAGTACAAGTCCTGTTTCTAAAAAAGGCCCACCCCT[T>A]AAGACTCCAGCCTCCAAAAGCCCTAGTGAAGGTCAAACAGCCACCACTTCTCCTAGAGGA-3'
Protein context (NP_000029.2, residues 2243-2263): TSPVSKKGPP[Leu2253=]KTPASKSPSE

ClinVar aggregate classification (germline): Benign/Likely benign. Review status: criteria provided, multiple submitters, no conflicts (2 of 4 stars). 2 submissions from 2 submitters: Benign (1); Likely benign (1). Last evaluated 2024-04-05.

Conditions:
Familial adenomatous polyposis 1 (FAP1). Also called: FAMILIAL ADENOMATOUS POLYPOSIS 1, ATTENUATED; POLYPOSIS, ADENOMATOUS INTESTINAL. Identifiers: MedGen C2713442, MONDO:0021056, OMIM 175100. Disease mechanism: loss of function.

Submissions (2):

Myriad Genetics, Inc.
Classification: Benign for Familial adenomatous polyposis 1. Last evaluated: 2024-04-05. Review status: criteria provided, single submitter. Criteria: Myriad Autosomal Dominant, Autosomal Recessive and X-Linked Classification Criteria (2023). Collection method: clinical testing. Allele origin: unknown.
Comment: This variant is considered benign. This variant is a silent/synonymous amino acid change and it is not expected to impact splicing.

Labcorp Genetics (formerly Invitae), Labcorp
Classification: Likely benign for Familial adenomatous polyposis 1. Last evaluated: 2020-05-14. Review status: criteria provided, single submitter. Criteria: Invitae Variant Classification Sherloc (09022015). Collection method: clinical testing. Allele origin: germline.